The following is an entry in ClinVar:

NM_017849.4(TMEM127):c.341A>T (p.Asp114Val)

Gene: TMEM127 (transmembrane protein 127; minus strand). Cytogenetic location: 2q11.2.
Variant type: single nucleotide variant.
Coding change: c.341A>T on transcript NM_017849.4 (MANE Select); coding-DNA position 341, A replaced by T.
Protein change: p.Asp114Val; replaces aspartic acid 114 with valine.
Molecular consequence: missense variant.
Genome position (GRCh38, 1-based): chr2:96,254,901, T>A on the plus strand (A>T on the coding strand, the complement: TMEM127 is on the minus strand). VCF-style: chr2-96254901-T-A. GRCh37 (hg19) VCF-style: chr2-96920639-T-A.
Other names: c.341A>T, p.Asp114Val (NM_001193304.3); short protein forms D114V.
Identifiers: ClinVar variation 1399252 (VCV001399252.8), dbSNP rs2104287263, ClinGen allele CA347653397.

ClinVar aggregate classification (germline): Uncertain significance (1 of 4 stars; one submission).

Conditions:
Hereditary pheochromocytoma and paraganglioma. Also called: Hereditary paragangliomas and pheochromocytomas; Hereditary Paraganglioma-Pheochromocytoma Syndromes; Hereditary pheochromocytoma-paraganglioma. Identifiers: Orphanet 29072, MedGen C4274332, MONDO:0017366.

Submission:

Labcorp Genetics (formerly Invitae), Labcorp
Classification: Uncertain significance for Hereditary pheochromocytoma and paraganglioma. Last evaluated: 2021-06-04. Review status: criteria provided, single submitter. Criteria: Invitae Variant Classification Sherloc (09022015). Collection method: clinical testing. Allele origin: germline.
Comment: In summary, the available evidence is currently insufficient to determine the role of this variant in disease. Therefore, it has been classified as a Variant of Uncertain Significance. Algorithms developed to predict the effect of missense changes on protein structure and function (SIFT, PolyPhen-2, Align-GVGD) all suggest that this variant is likely to be disruptive, but these predictions have not been confirmed by published functional studies and their clinical significance is uncertain. This variant has not been reported in the literature in individuals with TMEM127-related conditions. This variant is not present in population databases (ExAC no frequency). This sequence change replaces aspartic acid with valine at codon 114 of the TMEM127 protein (p.Asp114Val). The aspartic acid residue is highly conserved and there is a large physicochemical difference between aspartic acid and valine.